The following is an entry in ClinVar:

NM_172369.5(C1QC):c.637G>A (p.Val213Met)

Gene: C1QC (complement C1q C chain; plus strand). Cytogenetic location: 1p36.12.
Variant type: single nucleotide variant.
Coding change: c.637G>A on transcript NM_172369.5 (MANE Select); coding-DNA position 637, G replaced by A.
Protein change: p.Val213Met; replaces valine 213 with methionine.
Molecular consequence: missense variant.
Genome position (GRCh38, 1-based): chr1:22,647,682, G>A. VCF-style: chr1-22647682-G-A. GRCh37 (hg19) VCF-style: chr1-22974175-G-A.
Other names: c.637G>A, p.Val213Met (NM_001114101.3, NM_001347619.2); c.370G>A, p.Val124Met (NM_001347620.2); short protein forms V124M, V213M.
Identifiers: ClinVar variation 2076241 (VCV002076241.3), dbSNP rs757221100, ClinGen allele CA338938626.

ClinVar aggregate classification (germline): Uncertain significance (1 of 4 stars; one submission).

Submission:

Labcorp Genetics (formerly Invitae), Labcorp
Classification: Uncertain significance. Last evaluated: 2025-10-15. Review status: criteria provided, single submitter. Criteria: Invitae Variant Classification Sherloc (09022015). Collection method: clinical testing. Allele origin: germline.
Comment: This sequence change replaces valine, which is neutral and non-polar, with methionine, which is neutral and non-polar, at codon 213 of the C1QC protein (p.Val213Met). This variant is present in population databases (no rsID available, gnomAD 0.002%). This variant has not been reported in the literature in individuals affected with C1QC-related conditions. ClinVar contains an entry for this variant (Variation ID: 2076241). An algorithm developed to predict the effect of missense changes on protein structure and function (PolyPhen-2) suggests that this variant is likely to be tolerated. In summary, the available evidence is currently insufficient to determine the role of this variant in disease. Therefore, it has been classified as a Variant of Uncertain Significance.